The following is an entry in ClinVar:

ClinVar aggregate classification (germline): Uncertain significance (1 of 4 stars; one submission).

gnomAD v4.1: 1 of 1,518,860 alleles (0.000066%); highest among the groups gnomAD compares: Middle Eastern, 0.018%; no homozygotes.

Submission:

Ambry Genetics
Classification: Uncertain significance. Last evaluated: 2026-08-05. Review status: criteria provided, single submitter. Criteria: Ambry Variant Classification Scheme 2023. Collection method: clinical testing. Allele origin: germline.
Comment: The p.G1454V variant (also known as c.4361G>T), located in coding exon 14 of the CDK12 gene, results from a G to T substitution at nucleotide position 4361. The glycine at codon 1454 is replaced by valine, an amino acid with dissimilar properties. This amino acid position is conserved. In addition, this alteration is predicted to be deleterious by in silico analysis. Based on the available evidence, the clinical significance of this variant remains unclear.

NM_016507.4(CDK12):c.4361G>T (p.Gly1454Val)

Gene: CDK12 (cyclin dependent kinase 12; plus strand). Cytogenetic location: 17q12.
Variant type: single nucleotide variant.
Coding change: c.4361G>T on transcript NM_016507.4 (MANE Select); coding-DNA position 4361, G replaced by T.
Protein change: p.Gly1454Val; replaces glycine 1454 with valine.
Molecular consequence: missense variant.
Genome position (GRCh38, 1-based): chr17:39,531,204, G>T. VCF-style: chr17-39531204-G-T. GRCh37 (hg19) VCF-style: chr17-37687457-G-T.
Other names: c.4334G>T, p.Gly1445Val (NM_015083.4); short protein forms G1454V, G1445V.
Identifiers: ClinVar variation 5034139 (VCV005034139.1).
Genomic context (GRCh38, chr17:39,531,204, plus strand): 5'-AGACCAAATTGCAAAACTATGGGGAGCTGGGGCCAGGAACCACTGGGGCCAGCAGCTCAG[G>T]AGCAGGCCTTCACTGGGGGGGCCCAACTCAGTCTTCTGCTTATGGAAAACTCTATCGGGG-3'
Protein context (NP_057591.2, residues 1444-1464): GPGTTGASSS[Gly1454Val]AGLHWGGPTQ